The following is an entry in ClinVar:

NM_004369.4(COL6A3):c.8404A>T (p.Thr2802Ser)

Gene: COL6A3 (collagen type VI alpha 3 chain; minus strand). Cytogenetic location: 2q37.3.
Variant type: single nucleotide variant.
Coding change: c.8404A>T on transcript NM_004369.4 (MANE Select); coding-DNA position 8404, A replaced by T.
Protein change: p.Thr2802Ser; replaces threonine 2802 with serine.
Molecular consequence: missense variant.
Genome position (GRCh38, 1-based): chr2:237,340,512, T>A on the plus strand (A>T on the coding strand, the complement: COL6A3 is on the minus strand). VCF-style: chr2-237340512-T-A. GRCh37 (hg19) VCF-style: chr2-238249155-T-A.
Other names: c.6583A>T, p.Thr2195Ser (NM_057166.5); c.7786A>T, p.Thr2596Ser (NM_057167.4); short protein forms T2195S, T2596S, T2802S.
Identifiers: ClinVar variation 3377442 (VCV003377442.1).
Genomic context (GRCh38, chr2:237,340,512, plus strand): 5'-TGCTGACGAAGGATGGCAACAGCCTCCCGAAGCGCATCAAAGGCTCCTCGTTGAGCTCGG[T>A]GGACTTGTCCACTAATTTGAAGAAGACGTCGTTTGGCTCACTGGCGAAGGTGTATACCTC-3'
Protein context (NP_004360.2, residues 2792-2812): DVFFKLVDKS[Thr2802Ser]ELNEEPLMRF

ClinVar aggregate classification (germline): Likely benign (1 of 4 stars; one submission).

Conditions:
Bethlem myopathy. Identifiers: Orphanet 610, MedGen C1834674, MONDO:0008029.

Submission:

Victorian Clinical Genetics Services, Murdoch Childrens Research Institute
Classification: Likely benign for Bethlem myopathy. Last evaluated: 2020-05-21. Review status: criteria provided, single submitter. Criteria: ACMG Guidelines, 2015. Collection method: clinical testing. Allele origin: germline. Affected: yes.
Comment: A heterozygous missense variant was identified, NM_004369.3(COL6A3):c.8404A>T in exon 38 of 44 of the COL6A3 gene. This substitution is predicted to create a minor amino acid change from threonine to serine at position 2802 of the protein, NP_004360.2(COL6A3):p.(Thr2802Ser). The threonine at this position has low conservation (100 vertebrates, UCSC), but is located within the VWA functional domain. In silico software predicts this variant to be benign (Polyphen, SIFT, CADD, Mutation Taster). The variant is not present in the gnomAD population database. The variant has not been previously reported in a clinical testing setting. Based on information available at the time of curation, this variant has been classified as LIKELY BENIGN. NB: This variant has been reclassified to LIKELY BENIGN due to paternal inheritance.